The following is an entry in ClinVar:

NM_001162383.2(ARHGEF2):c.859A>G (p.Ser287Gly)

Gene: ARHGEF2 (Rho/Rac guanine nucleotide exchange factor 2; minus strand). Cytogenetic location: 1q22.
Variant type: single nucleotide variant.
Coding change: c.859A>G on transcript NM_001162383.2 (MANE Select); coding-DNA position 859, A replaced by G.
Protein change: p.Ser287Gly; replaces serine 287 with glycine.
Molecular consequence: missense variant.
Genome position (GRCh38, 1-based): chr1:155,963,049, T>C on the plus strand (A>G on the coding strand, the complement: ARHGEF2 is on the minus strand). VCF-style: chr1-155963049-T-C. GRCh37 (hg19) VCF-style: chr1-155932840-T-C.
Other names: c.856A>G, p.Ser286Gly (NM_001162384.2); c.778A>G, p.Ser260Gly (NM_001350110.2, NM_001350111.2); c.805A>G, p.Ser269Gly (NM_001350112.2); c.775A>G, p.Ser259Gly (NM_004723.4); short protein forms S259G, S260G, S269G, S286G, S287G.
Identifiers: ClinVar variation 3234893 (VCV003234893.1), dbSNP rs2527403729, ClinGen allele CA342803970.

ClinVar aggregate classification (germline): Uncertain significance (1 of 4 stars; one submission).

Conditions:
Neurodevelopmental disorder with midbrain and hindbrain malformations (NEDMHM). Identifiers: MedGen C4479613, MONDO:0056797, OMIM 617523.

Submission:

Neuberg Centre For Genomic Medicine, NCGM
Classification: Uncertain significance for Neurodevelopmental disorder with midbrain and hindbrain malformations. Review status: criteria provided, single submitter. Criteria: ACMG Guidelines, 2015. Collection method: clinical testing. Allele origin: germline. Inheritance: Autosomal recessive inheritance. Affected: yes.
Comment: The missense c.859A>Gp.Ser287Gly variant in ARHGEF2 gene has not been reported previously as a pathogenic variant nor a benign variant, to our knowledge. The p.Ser287Gly variant is novel not in any individuals in gnomAD Exomes and 1000 Genomes. This variant has not been reported to the ClinVar database. The amino acid change p.Ser287Gly in ARHGEF2 is predicted as conserved by GERP++ and PhyloP across 100 vertebrates. The amino acid Ser at position 287 is changed to a Gly changing protein sequence and it might alter its composition and physico-chemical properties. For these reasons, this variant has been classified as a Variant of Uncertain Significance VUS.